The following is an entry in ClinVar:

ClinVar aggregate classification (germline): Uncertain significance (1 of 4 stars; one submission).

Conditions:
Deficiency of aromatic-L-amino-acid decarboxylase. Also called: AADC DEFICIENCY; DDC DEFICIENCY; DOPA DECARBOXYLASE DEFICIENCY; Aromatic L-Amino Acid Decarboxylase Deficiency; Aromatic amino acid decarboxylase deficiency. Identifiers: Orphanet 35708, MedGen C1291564, MONDO:0012084, OMIM 608643.

Submission:

Labcorp Genetics (formerly Invitae), Labcorp
Classification: Uncertain significance for Deficiency of aromatic-L-amino-acid decarboxylase. Last evaluated: 2024-04-09. Review status: criteria provided, single submitter. Criteria: Invitae Variant Classification Sherloc (09022015). Collection method: clinical testing. Allele origin: germline.
Comment: This sequence change falls in intron 11 of the DDC gene. It does not directly change the encoded amino acid sequence of the DDC protein. This variant is not present in population databases (gnomAD no frequency). This variant has not been reported in the literature in individuals affected with DDC-related conditions. Algorithms developed to predict the effect of sequence changes on RNA splicing suggest that this variant may disrupt the consensus splice site. In summary, the available evidence is currently insufficient to determine the role of this variant in disease. Therefore, it has been classified as a Variant of Uncertain Significance.

NM_001082971.2(DDC):c.1042-10T>G

Gene: DDC (dopa decarboxylase; minus strand). Cytogenetic location: 7p12.2.
Variant type: single nucleotide variant.
Coding change: c.1042-10T>G on transcript NM_001082971.2 (MANE Select); 10 bases into the intron before coding-DNA position 1042, T replaced by G.
Molecular consequence: intron variant.
Genome position (GRCh38, 1-based): chr7:50,470,181, A>C on the plus strand (T>G on the coding strand, the complement: DDC is on the minus strand). VCF-style: chr7-50470181-A-C. GRCh37 (hg19) VCF-style: chr7-50537879-A-C.
Other names: c.808-10T>G (NM_001242888.2); c.928-10T>G (NM_001242886.2); c.763-10T>G (NM_001242889.2); c.898-10T>G (NM_001242887.2); c.1042-10T>G (NM_000790.4).
Identifiers: ClinVar variation 3649392 (VCV003649392.2).